The following is an entry in ClinVar:

NM_000512.5(GALNS):c.493_531del (p.Cys165_Asn177del)

Gene: GALNS (galactosamine (N-acetyl)-6-sulfatase; minus strand). Cytogenetic location: 16q24.3.
Variant type: Deletion.
Coding change: c.493_531del on transcript NM_000512.5 (MANE Select); coding-DNA positions 493 to 531, 39 bases deleted.
Protein change: p.Cys165_Asn177del.
Molecular consequence: inframe deletion. On other transcripts: 5 prime UTR variant (1).
Genome position (GRCh38, 1-based): chr16:88,837,657-88,837,695, 39 bases deleted; deleting any 39 consecutive bases within chr16:88,837,657-88,837,701 gives the same sequence; the c. name uses the placement nearest the transcript's 3' end. GRCh37 (hg19): chr16:88,904,071-88,904,109.
Other names: c.-63_-25del (NM_001323543.2); c.511_549del, p.Cys171_Asn183del (NM_001323544.2).
Identifiers: ClinVar variation 2127051 (VCV002127051.4), dbSNP rs2543549172, ClinGen allele CA2580092234.

ClinVar aggregate classification (germline): Pathogenic (1 of 4 stars; one submission).

Conditions:
Mucopolysaccharidosis, MPS-IV-A (MPS4A). Also called: Morquio syndrome A, mild; MORQUIO SYNDROME A; GALACTOSAMINE-6-SULFATASE DEFICIENCY; GALNS DEFICIENCY; MORQUIO A DISEASE; Mucopolysaccharidosis type IV A. Identifiers: Orphanet 309297, Orphanet 582, MedGen C0086651, MONDO:0009659, OMIM 253000.

Submission:

Labcorp Genetics (formerly Invitae), Labcorp
Classification: Pathogenic for Mucopolysaccharidosis, MPS-IV-A. Last evaluated: 2024-04-05. Review status: criteria provided, single submitter. Criteria: Invitae Variant Classification Sherloc (09022015). Collection method: clinical testing. Allele origin: germline.
Comment: This variant, c.493_531del, results in the deletion of 13 amino acid(s) of the GALNS protein (p.Cys165_Asn177del), but otherwise preserves the integrity of the reading frame. This variant is not present in population databases (gnomAD no frequency). This variant has not been reported in the literature in individuals affected with GALNS-related conditions. ClinVar contains an entry for this variant (Variation ID: 2127051). This variant disrupts a region of the GALNS protein in which other variant(s) (p.Gly168Arg) have been determined to be pathogenic (PMID: 9298823, 29275451, 30927141; Invitae). This suggests that this is a clinically significant region of the protein, and that variants that disrupt it are likely to be disease-causing. For these reasons, this variant has been classified as Pathogenic.

Literature cited by the submitters: PubMed 9298823; PubMed 29275451; PubMed 30927141.